The following is an entry in ClinVar:

ClinVar aggregate classification (germline): Benign/Likely benign. Review status: criteria provided, multiple submitters, no conflicts (2 of 4 stars). 5 submissions from 5 submitters: Benign (1); Likely benign (4). Last evaluated 2024-11-19.

Conditions:
Classic or attenuated familial adenomatous polyposis. Identifiers: MedGen CN372698, MONDO:0021057.
Hereditary cancer-predisposing syndrome. Also called: Hereditary neoplastic syndrome; Hereditary Cancer Syndrome; Neoplastic Syndromes, Hereditary; Tumor predisposition. Identifiers: Orphanet 140162, MedGen C0027672, MeSH D009386, MONDO:0015356.
Familial adenomatous polyposis 1 (FAP1). Also called: FAMILIAL ADENOMATOUS POLYPOSIS 1, ATTENUATED; POLYPOSIS, ADENOMATOUS INTESTINAL. Identifiers: MedGen C2713442, MONDO:0021056, OMIM 175100. Disease mechanism: loss of function.

Allele frequency attached by ClinVar (database versions not stated): gnomAD exomes below 0.00001.
gnomAD v4.1: 1 of 1,611,870 alleles (0.000062%); highest among the groups gnomAD compares: Non-Finnish European, 0.000085%; no homozygotes.

Submissions (5):

Labcorp Genetics (formerly Invitae), Labcorp
Classification: Likely benign for Familial adenomatous polyposis 1. Last evaluated: 2024-11-19. Review status: criteria provided, single submitter. Criteria: Invitae Variant Classification Sherloc (09022015). Collection method: clinical testing. Allele origin: germline.

Myriad Genetics, Inc.
Classification: Benign for Familial adenomatous polyposis 1. Last evaluated: 2024-02-27. Review status: criteria provided, single submitter. Criteria: Myriad Autosomal Dominant, Autosomal Recessive and X-Linked Classification Criteria (2023). Collection method: clinical testing. Allele origin: unknown.
Comment: This variant is considered benign. This variant is a silent/synonymous amino acid change and it is not expected to impact splicing.

All of Us Research Program, National Institutes of Health
Classification: Likely benign for Classic or attenuated familial adenomatous polyposis. Last evaluated: 2024-02-05. Review status: criteria provided, single submitter. Criteria: ACMG Guidelines, 2015. Collection method: clinical testing. Allele origin: germline. Inheritance: Autosomal dominant inheritance. Observed: 2 variant alleles, 2 heterozygotes.
Comment: This study involves interpretation of variants in research participants for the purpose of population health screening. Participant phenotype was not available at the time of variant classification. Additional details can be found in publication PMID: 35346344, PMCID: PMC8962531

Color Diagnostics, LLC DBA Color Health
Classification: Likely benign for Hereditary cancer-predisposing syndrome. Last evaluated: 2019-11-25. Review status: criteria provided, single submitter. Criteria: ACMG Guidelines, 2015. Collection method: clinical testing. Allele origin: germline.

Ambry Genetics
Classification: Likely benign for Hereditary cancer-predisposing syndrome. Last evaluated: 2018-12-03. Review status: criteria provided, single submitter. Criteria: Ambry Variant Classification Scheme 2023. Collection method: clinical testing. Allele origin: germline.

NM_000038.6(APC):c.849A>G (p.Arg283=)

Gene: APC (APC regulator of Wnt signaling pathway; plus strand). Cytogenetic location: 5q22.2.
Variant type: single nucleotide variant.
Coding change: c.849A>G on transcript NM_000038.6 (MANE Select); coding-DNA position 849, A replaced by G.
Protein change: p.Arg283=; no amino-acid change (arginine 283 retained).
Molecular consequence: synonymous variant. On other transcripts: 5 prime UTR variant (4), non-coding transcript variant (2).
Genome position (GRCh38, 1-based): chr5:112,815,509, A>G. VCF-style: chr5-112815509-A-G. GRCh37 (hg19) VCF-style: chr5-112151206-A-G.
Other names: c.849A>G, p.Arg283= (NM_001127510.3, NM_001354895.2, NM_001354896.2 and 12 more transcripts); c.795A>G, p.Arg265= (NM_001127511.3); c.879A>G, p.Arg293= (NM_001354897.2, NM_001354902.2, NM_001407446.1); c.774A>G, p.Arg258= (NM_001354898.2, NM_001354904.2, NM_001407451.1); c.765A>G, p.Arg255= (NM_001354899.2, NM_001407452.1, NM_001407467.1 and 1 more transcripts); c.672A>G, p.Arg224= (NM_001354900.2, NM_001354901.2, NM_001354905.2 and 1 more transcripts); c.-1A>G (NM_001354906.2, NM_001407470.1, NM_001407471.1 and 1 more transcripts).
Identifiers: ClinVar variation 236658 (VCV000236658.19), dbSNP rs878853478, ClinGen allele CA10582283.